The following is an entry in ClinVar:

ClinVar aggregate classification (germline): Uncertain significance (1 of 4 stars; one submission).

Conditions:
Zellweger spectrum disorders (ZS). Also called: Zellweger Spectrum Disorder (ZSD); Zellweger syndrome; Zellweger Spectrum Disorder; Zellweger Spectrum. Identifiers: Orphanet 912, MedGen C0043459, MONDO:0019609.

Allele frequency attached by ClinVar (database versions not stated): gnomAD exomes below 0.00001; TOPMed below 0.00001.
gnomAD v4.1: 1 of 1,558,374 alleles (0.000064%); highest among the groups gnomAD compares: Non-Finnish European, 0.000086%; no homozygotes.

Submission:

Labcorp Genetics (formerly Invitae), Labcorp
Classification: Uncertain significance for Zellweger spectrum disorders. Last evaluated: 2023-11-27. Review status: criteria provided, single submitter. Criteria: Invitae Variant Classification Sherloc (09022015). Collection method: clinical testing. Allele origin: germline.
Comment: This sequence change replaces serine, which is neutral and polar, with leucine, which is neutral and non-polar, at codon 239 of the PEX1 protein (p.Ser239Leu). This variant is not present in population databases (gnomAD no frequency). This variant has not been reported in the literature in individuals affected with PEX1-related conditions. ClinVar contains an entry for this variant (Variation ID: 1954385). Advanced modeling of protein sequence and biophysical properties (such as structural, functional, and spatial information, amino acid conservation, physicochemical variation, residue mobility, and thermodynamic stability) performed at Invitae indicates that this missense variant is not expected to disrupt PEX1 protein function with a negative predictive value of 80%. In summary, the available evidence is currently insufficient to determine the role of this variant in disease. Therefore, it has been classified as a Variant of Uncertain Significance.

NM_000466.3(PEX1):c.716C>T (p.Ser239Leu)

Gene: PEX1 (peroxisomal biogenesis factor 1; minus strand). Cytogenetic location: 7q21.2.
Variant type: single nucleotide variant.
Coding change: c.716C>T on transcript NM_000466.3 (MANE Select); coding-DNA position 716, C replaced by T.
Protein change: p.Ser239Leu; replaces serine 239 with leucine.
Molecular consequence: missense variant.
Genome position (GRCh38, 1-based): chr7:92,517,799, G>A on the plus strand (C>T on the coding strand, the complement: PEX1 is on the minus strand). VCF-style: chr7-92517799-G-A. GRCh37 (hg19) VCF-style: chr7-92147113-G-A.
Other names: c.716C>T, p.Ser239Leu (NM_001282677.2); c.92C>T, p.Ser31Leu (NM_001282678.2); short protein forms S31L, S239L.
Identifiers: ClinVar variation 1954385 (VCV001954385.5), dbSNP rs1792868421, ClinGen allele CA368200320.